The following is an entry in ClinVar:

ClinVar aggregate classification (germline): Uncertain significance (1 of 4 stars; one submission).

Allele frequency attached by ClinVar (database versions not stated): gnomAD exomes below 0.00001; TOPMed below 0.00001.
gnomAD v4.1: 2 of 1,614,000 alleles (0.00012%); highest among the groups gnomAD compares: East Asian, 0.0045%; no homozygotes.

Submission:

Labcorp Genetics (formerly Invitae), Labcorp
Classification: Uncertain significance. Last evaluated: 2022-08-16. Review status: criteria provided, single submitter. Criteria: Invitae Variant Classification Sherloc (09022015). Collection method: clinical testing. Allele origin: germline.
Comment: This sequence change replaces glutamine, which is neutral and polar, with arginine, which is basic and polar, at codon 1028 of the PCNT protein (p.Gln1028Arg). This variant is present in population databases (no rsID available, gnomAD 0.006%). This variant has not been reported in the literature in individuals affected with PCNT-related conditions. Algorithms developed to predict the effect of missense changes on protein structure and function output the following: SIFT: "Tolerated"; PolyPhen-2: "Benign"; Align-GVGD: "Class C0". The arginine amino acid residue is found in multiple mammalian species, which suggests that this missense change does not adversely affect protein function. In summary, the available evidence is currently insufficient to determine the role of this variant in disease. Therefore, it has been classified as a Variant of Uncertain Significance.

NM_006031.6(PCNT):c.3083A>G (p.Gln1028Arg)

Gene: PCNT (pericentrin; plus strand). Cytogenetic location: 21q22.3.
Variant type: single nucleotide variant.
Coding change: c.3083A>G on transcript NM_006031.6 (MANE Select); coding-DNA position 3083, A replaced by G.
Protein change: p.Gln1028Arg; replaces glutamine 1028 with arginine.
Molecular consequence: missense variant.
Genome position (GRCh38, 1-based): chr21:46,367,057, A>G. VCF-style: chr21-46367057-A-G. GRCh37 (hg19) VCF-style: chr21-47786972-A-G.
Other names: c.2729A>G, p.Gln910Arg (NM_001315529.2); short protein forms Q1028R, Q910R.
Identifiers: ClinVar variation 1950832 (VCV001950832.2), dbSNP rs1161146309, ClinGen allele CA410570396.